The following is an entry in ClinVar:

NM_000551.4(VHL):c.145G>C (p.Gly49Arg)

Gene: VHL (von Hippel-Lindau tumor suppressor; plus strand). Cytogenetic location: 3p25.3.
Variant type: single nucleotide variant.
Coding change: c.145G>C on transcript NM_000551.4 (MANE Select); coding-DNA position 145, G replaced by C.
Protein change: p.Gly49Arg; replaces glycine 49 with arginine.
Molecular consequence: missense variant.
Genome position (GRCh38, 1-based): chr3:10,141,992, G>C. VCF-style: chr3-10141992-G-C. GRCh37 (hg19) VCF-style: chr3-10183676-G-C.
Other names: c.145G>C, p.Gly49Arg (NM_001354723.2, NM_198156.3); c.145G>C (NM_000551.3); short protein forms G49R.
Identifiers: ClinVar variation 1042895 (VCV001042895.10), dbSNP rs1696124265, ClinGen allele CA351748216.
Genomic context (GRCh38, chr3:10,141,992, plus strand): 5'-GGCGGGGAGGAGTCGGGCGCCGAGGAGTCCGGCCCGGAAGAGTCCGGCCCGGAGGAACTG[G>C]GCGCCGAGGAGGAGATGGAGGCCGGGCGGCCGCGGCCCGTGCTGCGCTCGGTGAACTCGC-3'
Protein context (NP_000542.1, residues 39-59): GPEESGPEEL[Gly49Arg]AEEEMEAGRP

ClinVar aggregate classification (germline): Conflicting classifications of pathogenicity. Review status: criteria provided, conflicting classifications (1 of 4 stars). 2 submissions from 2 submitters: Uncertain significance (1); Benign (1). Last evaluated 2025-05-14.

Conditions:
Von Hippel-Lindau syndrome (VHLS). Also called: Von Hippel-Lindau; von Hippel–Lindau syndrome; VHL syndrome. Identifiers: Orphanet 892, MedGen C0019562, MONDO:0008667, OMIM 193300. Disease mechanism: loss of function.
Chuvash polycythemia. Also called: POLYCYTHEMIA, VHL-DEPENDENT. Identifiers: Orphanet 238557, MedGen C1837915, MONDO:0009892, OMIM 263400.
Hereditary cancer-predisposing syndrome. Also called: Hereditary neoplastic syndrome; Neoplastic Syndromes, Hereditary; Tumor predisposition; Hereditary Cancer Syndrome. Identifiers: Orphanet 140162, MedGen C0027672, MeSH D009386, MONDO:0015356.

Submissions (2):

Ambry Genetics
Classification: Benign for Hereditary cancer-predisposing syndrome. Last evaluated: 2025-05-14. Review status: criteria provided, single submitter. Criteria: Ambry Variant Classification Scheme 2023. Collection method: clinical testing. Allele origin: germline.

Labcorp Genetics (formerly Invitae), Labcorp
Classification: Uncertain significance for Von Hippel-Lindau syndrome; Chuvash polycythemia. Last evaluated: 2020-08-04. Review status: criteria provided, single submitter. Criteria: Invitae Variant Classification Sherloc (09022015). Collection method: clinical testing. Allele origin: germline.
Comment: In summary, the available evidence is currently insufficient to determine the role of this variant in disease. Therefore, it has been classified as a Variant of Uncertain Significance. Advanced modeling of protein sequence and biophysical properties (such as structural, functional, and spatial information, amino acid conservation, physicochemical variation, residue mobility, and thermodynamic stability) performed at Invitae indicates that this missense variant is not expected to disrupt VHL protein function. This variant has not been reported in the literature in individuals with VHL-related conditions. The frequency data for this variant in the population databases is considered unreliable, as metrics indicate insufficient coverage at this position in the ExAC database. This sequence change replaces glycine with arginine at codon 49 of the VHL protein (p.Gly49Arg). The glycine residue is moderately conserved and there is a moderate physicochemical difference between glycine and arginine.

Literature cited by the submitters: PubMed 38969834 (cited by Ambry Genetics).